The following is an entry in ClinVar:

NM_022124.6(CDH23):c.777C>A (p.Thr259=)

Gene: CDH23 (cadherin related 23; plus strand). Cytogenetic location: 10q22.1.
Variant type: single nucleotide variant.
Coding change: c.777C>A on transcript NM_022124.6 (MANE Select); coding-DNA position 777, C replaced by A.
Protein change: p.Thr259=; no amino-acid change (threonine 259 retained).
Molecular consequence: synonymous variant.
Genome position (GRCh38, 1-based): chr10:71,577,937, C>A. VCF-style: chr10-71577937-C-A. GRCh37 (hg19) VCF-style: chr10-73337694-C-A.
Other names: c.777C>A, p.Thr259= (NM_001171930.2, NM_001171931.2, NM_001171932.2 and 1 more transcripts).
Identifiers: ClinVar variation 766276 (VCV000766276.35), dbSNP rs542798557, ClinGen allele CA5543551.

ClinVar aggregate classification (germline): Likely benign. Review status: criteria provided, multiple submitters, no conflicts (2 of 4 stars). 5 submissions from 5 submitters: Likely benign (3). 2 of the submissions do not count toward it. Last evaluated 2024-06-27.

Conditions:
CDH23-related disorder. Also called: CDH23-related condition; CDH23-related disorders.
Usher syndrome type 1 (USH1). Also called: RETINITIS PIGMENTOSA AND CONGENITAL DEAFNESS. Identifiers: Orphanet 231169, Orphanet 886, MedGen C1568247, MONDO:0010168, OMIM 276900.

Allele frequency attached by ClinVar (database versions not stated): gnomAD 0.00001 and 0.00003; TOPMed 0.00002; ExAC 0.00025.
gnomAD v4.1: 166 of 1,604,518 alleles (0.01%); highest among the groups gnomAD compares: South Asian, 0.18%; 2 homozygotes.

Submissions (5):

Blueprint Genetics
Classification: Likely benign. Last evaluated: 2024-06-27. Review status: criteria provided, single submitter. Criteria: ACMG Guidelines, 2015. Collection method: clinical testing. Allele origin: germline.

Labcorp Genetics (formerly Invitae), Labcorp
Classification: Likely benign. Last evaluated: 2024-05-06. Review status: criteria provided, single submitter. Criteria: Invitae Variant Classification Sherloc (09022015). Collection method: clinical testing. Allele origin: germline.

CeGaT Center for Human Genetics Tuebingen
Classification: Likely benign. Last evaluated: 2024-01-01. Review status: criteria provided, single submitter. Criteria: CeGaT Center For Human Genetics Tuebingen Variant Classification Criteria Version 2. Collection method: clinical testing. Allele origin: germline. Affected: yes. Observed: 1 variant allele.
Comment: CDH23: BP4, BP7

PreventionGenetics, part of Exact Sciences
Classification: Likely benign for CDH23-related condition. Last evaluated: 2023-12-06. Review status: no assertion criteria provided. Collection method: clinical testing. Allele origin: germline. Not counted in ClinVar's aggregate classification.
Comment: This variant is classified as likely benign based on ACMG/AMP sequence variant interpretation guidelines (Richards et al. 2015 PMID: 25741868, with internal and published modifications).

Natera, Inc.
Classification: Likely benign for Usher syndrome type 1. Last evaluated: 2020-04-11. Review status: no assertion criteria provided. Collection method: clinical testing. Allele origin: germline. Not counted in ClinVar's aggregate classification.